The following is an entry in ClinVar:

ClinVar aggregate classification (germline): Uncertain significance (1 of 4 stars; one submission).

Conditions:
Cardiac, facial, and digital anomalies with developmental delay. Identifiers: Orphanet 592570, MedGen C4748484, MONDO:0032572, OMIM 618164.

Submission:

MVZ Medizinische Genetik Mainz
Classification: Uncertain significance for Cardiac, facial, and digital anomalies with developmental delay. Last evaluated: 2023-11-02. Review status: criteria provided, single submitter. Criteria: UK Practice Guidelines For Variant Classification V4 01 2020. Collection method: clinical testing. Allele origin: germline. Inheritance: Autosomal dominant inheritance. Affected: yes. Observed: 1 variant allele.
Comment: ACMG Criteria: PM2_SUP,PP3

NM_032271.3(TRAF7):c.943_944delinsGG (p.Leu315Gly)

Gene: TRAF7 (TNF receptor associated factor 7; plus strand). Cytogenetic location: 16p13.3.
Variant type: Indel.
Coding change: c.943_944delinsGG on transcript NM_032271.3 (MANE Select); coding-DNA positions 943 to 944, CT replaced by GG.
Protein change: p.Leu315Gly; replaces leucine 315 with glycine.
Molecular consequence: missense variant.
Genome position (GRCh38, 1-based): chr16:2,173,330-2,173,331, CT replaced by GG. VCF-style: chr16-2173330-CT-GG. GRCh37 (hg19) VCF-style: chr16-2223331-CT-GG.
Other names: short protein forms L315G.
Identifiers: ClinVar variation 3068405 (VCV003068405.1), dbSNP rs2545006585, ClinGen allele CA2825002385.